The following is an entry in ClinVar:

NM_000188.3(HK1):c.1739C>T (p.Ser580Phe)

Gene: HK1 (hexokinase 1; plus strand). Cytogenetic location: 10q22.1.
Variant type: single nucleotide variant.
Coding change: c.1739C>T on transcript NM_000188.3 (MANE Select); coding-DNA position 1739, C replaced by T.
Protein change: p.Ser580Phe; replaces serine 580 with phenylalanine.
Molecular consequence: missense variant.
Genome position (GRCh38, 1-based): chr10:69,384,815, C>T. VCF-style: chr10-69384815-C-T. GRCh37 (hg19) VCF-style: chr10-71144571-C-T.
Other names: c.1751C>T, p.Ser584Phe (NM_001322364.2, NM_001358263.1, NM_033497.3 and 1 more transcripts); c.1844C>T, p.Ser615Phe (NM_001322365.2); c.1655C>T, p.Ser552Phe (NM_001322366.1); c.1643C>T, p.Ser548Phe (NM_001322367.1); c.1736C>T, p.Ser579Phe (NM_033496.3); c.1703C>T, p.Ser568Phe (NM_033500.2); short protein forms S548F, S552F, S568F, S579F, S580F, S584F, S615F.
Identifiers: ClinVar variation 2575936 (VCV002575936.1), dbSNP rs2540432264, ClinGen allele CA376911901.

ClinVar aggregate classification (germline): Uncertain significance (1 of 4 stars; one submission).

Submission:

Institute for Clinical Genetics, University Hospital TU Dresden, University Hospital TU Dresden
Classification: Uncertain significance. Last evaluated: 2022-10-25. Review status: criteria provided, single submitter. Criteria: ACMG Guidelines, 2015. Collection method: clinical testing. Allele origin: germline.
Comment: PP3, PM2_SUP, PP2